The following is an entry in ClinVar:

NM_194277.3(FRMD7):c.822C>A (p.Tyr274Ter)

Gene: FRMD7 (FERM domain containing 7; minus strand). Cytogenetic location: Xq26.2.
Variant type: single nucleotide variant.
Coding change: c.822C>A on transcript NM_194277.3 (MANE Select); coding-DNA position 822, C replaced by A.
Protein change: p.Tyr274Ter; replaces tyrosine 274 with a stop codon.
Molecular consequence: nonsense.
Genome position (GRCh38, 1-based): chrX:132,082,446, G>T on the plus strand (C>A on the coding strand, the complement: FRMD7 is on the minus strand). VCF-style: chrX-132082446-G-T. GRCh37 (hg19) VCF-style: chrX-131216474-G-T.
Other names: c.777C>A, p.Tyr259Ter (NM_001306193.2); short protein forms Y259*, Y274*.
Identifiers: ClinVar variation 4857474 (VCV004857474.1).

ClinVar aggregate classification (germline): Pathogenic (1 of 4 stars; one submission).

Conditions:
Nystagmus 1, congenital, X-linked. Also called: NYSTAGMUS, INFANTILE PERIODIC ALTERNATING, X-LINKED; NYSTAGMUS 1, INFANTILE, X-LINKED; NYSTAGMUS, CONGENITAL MOTOR, 1; FRMD7-Related Infantile Nystagmus; NYSTAGMUS, INFANTILE IDIOPATHIC. Identifiers: MedGen C1839580, MONDO:0010693, OMIM 310700.

Submission:

Institute of Human Genetics, University of Leipzig Medical Center
Classification: Pathogenic for Nystagmus 1, congenital, X-linked. Last evaluated: 2026-05-18. Review status: criteria provided, single submitter. Criteria: ACMG Guidelines, 2015. Collection method: clinical testing. Allele origin: unknown. Inheritance: X-linked dominant inheritance. Affected: yes.
Comment: Criteria applied: PVS1,PM2